The following is an entry in ClinVar:

NM_004434.3(EML1):c.2191+8T>G

Gene: EML1 (EMAP like 1; plus strand). Cytogenetic location: 14q32.2.
Variant type: single nucleotide variant.
Coding change: c.2191+8T>G on transcript NM_004434.3 (MANE Select); 8 bases into the intron after coding-DNA position 2191, T replaced by G.
Molecular consequence: intron variant.
Genome position (GRCh38, 1-based): chr14:99,937,920, T>G. VCF-style: chr14-99937920-T-G. GRCh37 (hg19) VCF-style: chr14-100404257-T-G.
Other names: c.2152+8T>G (NM_001375411.1); c.2248+8T>G (NM_001008707.2); c.2059+8T>G (NM_001375412.1).
Identifiers: ClinVar variation 776861 (VCV000776861.13), dbSNP rs80079193, ClinGen allele CA7342873.

ClinVar aggregate classification (germline): Benign/Likely benign. Review status: criteria provided, multiple submitters, no conflicts (2 of 4 stars). 3 submissions from 3 submitters: Benign (1); Likely benign (1). 1 of the submissions does not count toward it. Last evaluated 2025-10-29.

Conditions:
EML1-related disorder. Also called: EML1-related condition.

Allele frequency attached by ClinVar (database versions not stated): gnomAD exomes 0.00057 and 0.00137; ExAC 0.00167; gnomAD 0.00557 and 0.00592; TOPMed 0.00638; 1000 Genomes Project 0.00639; ESP Exome Variant Server 0.00684; 1000 Genomes Project 30x 0.00750.
gnomAD v4.1: 1,696 of 1,612,626 alleles (0.11%); highest among the groups gnomAD compares: African/African-American, 2%; 16 homozygotes.

Submissions (3):

Labcorp Genetics (formerly Invitae), Labcorp
Classification: Benign. Last evaluated: 2025-10-29. Review status: criteria provided, single submitter. Criteria: Invitae Variant Classification Sherloc (09022015). Collection method: clinical testing. Allele origin: germline.

Blueprint Genetics
Classification: Likely benign. Last evaluated: 2024-11-27. Review status: criteria provided, single submitter. Criteria: ACMG Guidelines, 2015. Collection method: clinical testing. Allele origin: germline.

PreventionGenetics, part of Exact Sciences
Classification: Benign for EML1-related condition. Last evaluated: 2019-08-28. Review status: no assertion criteria provided. Collection method: clinical testing. Allele origin: germline. Not counted in ClinVar's aggregate classification.
Comment: This variant is classified as benign based on ACMG/AMP sequence variant interpretation guidelines (Richards et al. 2015 PMID: 25741868, with internal and published modifications).